The following is an entry in ClinVar:

ClinVar aggregate classification (germline): Uncertain significance (1 of 4 stars; one submission).

gnomAD v4.1: 14 of 1,614,084 alleles (0.00087%); highest among the groups gnomAD compares: Non-Finnish European, 0.0012%; no homozygotes.

Submission:

Labcorp Genetics (formerly Invitae), Labcorp
Classification: Uncertain significance. Last evaluated: 2022-10-17. Review status: criteria provided, single submitter. Criteria: Invitae Variant Classification Sherloc (09022015). Collection method: clinical testing. Allele origin: germline.
Comment: This variant is present in population databases (rs757351189, gnomAD 0.003%). In summary, the available evidence is currently insufficient to determine the role of this variant in disease. Therefore, it has been classified as a Variant of Uncertain Significance. Algorithms developed to predict the effect of missense changes on protein structure and function are either unavailable or do not agree on the potential impact of this missense change (SIFT: "Deleterious"; PolyPhen-2: "Benign"; Align-GVGD: "Class C0"). This variant has not been reported in the literature in individuals affected with LRIT3-related conditions. This sequence change replaces arginine, which is basic and polar, with proline, which is neutral and non-polar, at codon 440 of the LRIT3 protein (p.Arg440Pro).

NM_198506.5(LRIT3):c.1319G>C (p.Arg440Pro)

Gene: LRIT3 (leucine rich repeat, Ig-like and transmembrane domains 3; plus strand). Cytogenetic location: 4q25.
Variant type: single nucleotide variant.
Coding change: c.1319G>C on transcript NM_198506.5 (MANE Select); coding-DNA position 1319, G replaced by C.
Protein change: p.Arg440Pro; replaces arginine 440 with proline.
Molecular consequence: missense variant.
Genome position (GRCh38, 1-based): chr4:109,870,068, G>C. VCF-style: chr4-109870068-G-C. GRCh37 (hg19) VCF-style: chr4-110791224-G-C.
Other names: short protein forms R440P.
Identifiers: ClinVar variation 1949777 (VCV001949777.5), dbSNP rs757351189, ClinGen allele CA3043171.
Genomic context (GRCh38, chr4:109,870,068, plus strand): 5'-TTTCTTCAACCACAACTCTGAGCACAAGCATCTCAGCAAGTACCACCATGGCCAACAAGC[G>C]ATCATTCCAGCTCCACCAAGGTGGGAAAAGAAATTTAAAGGTGGCAAAGAATGGAAGTAA-3'
Protein context (NP_940908.3, residues 430-450): ISASTTMANK[Arg440Pro]SFQLHQGGKR